The following is an entry in ClinVar:

NM_002890.3(RASA1):c.2291dup (p.Leu765fs)

Genes: CCNH (cyclin H; minus strand), RASA1 (RAS p21 protein activator 1; plus strand). Cytogenetic location: 5q14.3.
Variant type: Duplication.
Coding change: c.2291dup on transcript NM_002890.3 (MANE Select); coding-DNA position 2291, one base duplicated (A; older notation c.2291dupA).
Protein change: p.Leu765fs; shifts the reading frame from leucine 765.
Molecular consequence: frameshift variant. On other transcripts: intron variant (1).
Genome position (GRCh38, 1-based): chr5:87,376,987, A duplicated; the last of 4 consecutive A bases (chr5:87,376,984-87,376,987); duplicating any one gives the same sequence. VCF-style (leftmost placement, unchanged base first): chr5-87376983-G-GA. GRCh37 (hg19) VCF-style: chr5-86672800-G-GA.
Other names: c.2291dupA (NM_002890.3); c.1760dup, p.Leu588fs (NM_022650.3); c.933+18060dup (NM_001364075.2); short protein forms L588fs, L765fs.
Identifiers: ClinVar variation 1789117 (VCV001789117.2), dbSNP rs2531350017, ClinGen allele CA2580073701.

ClinVar aggregate classification (germline): Pathogenic (1 of 4 stars; one submission).

Conditions:
Cardiovascular phenotype. Identifiers: MedGen CN230736.

Submission:

Ambry Genetics
Classification: Pathogenic for Cardiovascular phenotype. Last evaluated: 2024-01-09. Review status: criteria provided, single submitter. Criteria: Ambry Variant Classification Scheme 2023. Collection method: clinical testing. Allele origin: germline.
Comment: The c.2291dupA pathogenic mutation, located in coding exon 17 of the RASA1 gene, results from a duplication of A at nucleotide position 2291, causing a translational frameshift with a predicted alternate stop codon (p.L765Afs*2). This variant is considered to be rare based on population cohorts in the Genome Aggregation Database (gnomAD). This alteration is expected to result in loss of function by premature protein truncation or nonsense-mediated mRNA decay. As such, this alteration is interpreted as a disease-causing mutation.